The following is an entry in ClinVar:

NM_001243177.4(ALDOA):c.962-20G>A

Genes: ALDOA (aldolase, fructose-bisphosphate A; plus strand), LOC112694756 (uncharaterized LOC112694756; plus strand). Cytogenetic location: 16p11.2.
Variant type: single nucleotide variant.
Coding change: c.962-20G>A on transcript NM_001243177.4 (MANE Select); 20 bases into the intron before coding-DNA position 962, G replaced by A.
Molecular consequence: intron variant.
Genome position (GRCh38, 1-based): chr16:30,069,810, G>A. VCF-style: chr16-30069810-G-A. GRCh37 (hg19) VCF-style: chr16-30081131-G-A.
Other names: c.*1309-20G>A (NM_001365307.2, NM_001365305.2, NM_001365304.2); c.800-20G>A (NM_184043.2, NM_001127617.2, NM_184041.5).
Identifiers: ClinVar variation 387249 (VCV000387249.11), dbSNP rs189723657, ClinGen allele CA8001166.

ClinVar aggregate classification (germline): Likely benign. Review status: criteria provided, multiple submitters, no conflicts (2 of 4 stars). 4 submissions from 4 submitters: Likely benign (4). Last evaluated 2026-01-03.

Conditions:
HNSHA due to aldolase A deficiency (GSD12). Also called: GLYCOGEN STORAGE DISEASE XII; GSD XII; Glycogen storage disease due to aldolase A deficiency; RED CELL ALDOLASE DEFICIENCY. Identifiers: Orphanet 57, MedGen C0272066, MONDO:0012747, OMIM 611881.

Allele frequency attached by ClinVar (database versions not stated): ESP Exome Variant Server 0.00008; 1000 Genomes Project 30x 0.00016; 1000 Genomes Project 0.00020; gnomAD 0.00023 and 0.00025; ExAC 0.00026; TOPMed 0.00028.
gnomAD v4.1: 409 of 1,613,918 alleles (0.025%); highest among the groups gnomAD compares: Middle Eastern, 0.13%; no homozygotes.

Submissions (4):

Labcorp Genetics (formerly Invitae), Labcorp
Classification: Likely benign for HNSHA due to aldolase A deficiency. Last evaluated: 2026-01-03. Review status: criteria provided, single submitter. Criteria: Invitae Variant Classification Sherloc (09022015). Collection method: clinical testing. Allele origin: germline.

Blueprint Genetics
Classification: Likely benign. Last evaluated: 2024-11-17. Review status: criteria provided, single submitter. Criteria: ACMG Guidelines, 2015. Collection method: clinical testing. Allele origin: germline.

GeneDx
Classification: Likely benign. Last evaluated: 2017-11-09. Review status: criteria provided, single submitter. Criteria: GeneDx Variant Classification (06012015). Collection method: clinical testing. Allele origin: germline. Affected: yes.
Comment: This variant is considered likely benign or benign based on one or more of the following criteria: it is a conservative change, it occurs at a poorly conserved position in the protein, it is predicted to be benign by multiple in silico algorithms, and/or has population frequency not consistent with disease.

Breakthrough Genomics
Classification: Likely benign. Review status: criteria provided, single submitter. Criteria: ACMG Guidelines, 2015. Collection method: not provided. Allele origin: germline. Inheritance: Autosomal recessive inheritance. Affected: yes.